The following is an entry in ClinVar:

NM_007208.4(MRPL3):c.767A>C (p.Lys256Thr)

Gene: MRPL3 (mitochondrial ribosomal protein L3; minus strand). Cytogenetic location: 3q22.1.
Variant type: single nucleotide variant.
Coding change: c.767A>C on transcript NM_007208.4 (MANE Select); coding-DNA position 767, A replaced by C.
Protein change: p.Lys256Thr; replaces lysine 256 with threonine.
Molecular consequence: missense variant.
Genome position (GRCh38, 1-based): chr3:131,469,745, T>G on the plus strand (A>C on the coding strand, the complement: MRPL3 is on the minus strand). VCF-style: chr3-131469745-T-G. GRCh37 (hg19) VCF-style: chr3-131188589-T-G.
Other names: short protein forms K256T.
Identifiers: ClinVar variation 1968773 (VCV001968773.5), dbSNP rs947657612, ClinGen allele CA83509967.
Genomic context (GRCh38, chr3:131,469,745, plus strand): 5'-GTAACACTTACTTTCAGTCCATATTCTGTCCTGTATATGTTTCCCATTTTTCCAGGCATT[T>G]TAGTTCCAGGCCAGACTCTGCCAATATCCTAAATGAGAAAACTAAAGTTAACACTTTTAA-3'
Protein context (NP_009139.1, residues 246-266): GDIGRVWPGT[Lys256Thr]MPGKMGNIYR

ClinVar aggregate classification (germline): Uncertain significance (1 of 4 stars; one submission).

Allele frequency attached by ClinVar (database versions not stated): gnomAD exomes 0.00001.
gnomAD v4.1: 7 of 1,612,352 alleles (0.00043%); highest among the groups gnomAD compares: Non-Finnish European, 0.00059%; no homozygotes.

Submission:

Labcorp Genetics (formerly Invitae), Labcorp
Classification: Uncertain significance. Last evaluated: 2024-12-02. Review status: criteria provided, single submitter. Criteria: Invitae Variant Classification Sherloc (09022015). Collection method: clinical testing. Allele origin: germline.
Comment: This sequence change replaces lysine, which is basic and polar, with threonine, which is neutral and polar, at codon 256 of the MRPL3 protein (p.Lys256Thr). This variant is not present in population databases (gnomAD no frequency). This variant has not been reported in the literature in individuals affected with MRPL3-related conditions. ClinVar contains an entry for this variant (Variation ID: 1968773). Invitae Evidence Modeling of protein sequence and biophysical properties (such as structural, functional, and spatial information, amino acid conservation, physicochemical variation, residue mobility, and thermodynamic stability) indicates that this missense variant is expected to disrupt MRPL3 protein function with a positive predictive value of 80%. In summary, the available evidence is currently insufficient to determine the role of this variant in disease. Therefore, it has been classified as a Variant of Uncertain Significance.